The following is an entry in ClinVar:

NM_001039876.3(SYNE4):c.541C>T (p.Arg181Trp)

Gene: SYNE4 (spectrin repeat containing nuclear envelope family member 4; minus strand). Cytogenetic location: 19q13.12.
Variant type: single nucleotide variant.
Coding change: c.541C>T on transcript NM_001039876.3 (MANE Select); coding-DNA position 541, C replaced by T.
Protein change: p.Arg181Trp; replaces arginine 181 with tryptophan.
Molecular consequence: missense variant. On other transcripts: intron variant (1).
Genome position (GRCh38, 1-based): chr19:36,006,827, G>A on the plus strand (C>T on the coding strand, the complement: SYNE4 is on the minus strand). VCF-style: chr19-36006827-G-A. GRCh37 (hg19) VCF-style: chr19-36497729-G-A.
Other names: c.280-156C>T (NM_001297735.3); c.541C>T (NM_001039876.2); short protein forms R181W.
Identifiers: ClinVar variation 2360822 (VCV002360822.5), dbSNP rs200942070, ClinGen allele CA9393910.

ClinVar aggregate classification (germline): Uncertain significance. Review status: criteria provided, multiple submitters, no conflicts (2 of 4 stars). 3 submissions from 3 submitters: Uncertain significance (3). Last evaluated 2026-05-12.

Conditions:
SYNE4-related disorder. Also called: SYNE4-related condition.

Allele frequency attached by ClinVar (database versions not stated): gnomAD exomes 0.00004; ExAC 0.00026; gnomAD 0.00027; TOPMed 0.00038; ESP Exome Variant Server 0.00049; 1000 Genomes Project 0.00080; 1000 Genomes Project 30x 0.00094.
gnomAD v4.1: 106 of 1,602,262 alleles (0.0066%); highest among the groups gnomAD compares: African/African-American, 0.093%; no homozygotes.

Submissions (3):

PreventionGenetics, part of Exact Sciences
Classification: Uncertain significance for SYNE4-related condition. Last evaluated: 2026-05-12. Review status: criteria provided, single submitter. Criteria: ACMG Guidelines, 2015. Collection method: clinical testing. Allele origin: germline.
Comment: The SYNE4 c.541C>T variant is predicted to result in the amino acid substitution p.Arg181Trp. To our knowledge, this variant has not been reported in the literature. This variant is reported in 0.10% of alleles in individuals of African descent in gnomAD. Although we suspect that this variant may be benign, at this time, the clinical significance of this variant is uncertain due to the absence of conclusive functional and genetic evidence.

Ambry Genetics
Classification: Uncertain significance. Last evaluated: 2025-04-15. Review status: criteria provided, single submitter. Criteria: Ambry Variant Classification Scheme 2023. Collection method: clinical testing. Allele origin: germline.

Blueprint Genetics
Classification: Uncertain significance. Last evaluated: 2023-12-27. Review status: criteria provided, single submitter. Criteria: ACMG Guidelines, 2015. Collection method: clinical testing. Allele origin: germline.